The following is an entry in ClinVar:

NM_005883.3(APC2):c.769G>A (p.Val257Ile)

Gene: APC2 (APC regulator of Wnt signaling pathway 2; plus strand). Cytogenetic location: 19p13.3.
Variant type: single nucleotide variant.
Coding change: c.769G>A on transcript NM_005883.3 (MANE Select); coding-DNA position 769, G replaced by A.
Protein change: p.Val257Ile; replaces valine 257 with isoleucine.
Molecular consequence: missense variant.
Genome position (GRCh38, 1-based): chr19:1,456,357, G>A. VCF-style: chr19-1456357-G-A. GRCh37 (hg19) VCF-style: chr19-1456356-G-A.
Other names: c.769G>A (NM_005883.2); c.766G>A, p.Val256Ile (NM_001351273.1); short protein forms V256I, V257I.
Identifiers: ClinVar variation 2118102 (VCV002118102.7), dbSNP rs2083826420, ClinGen allele CA403013984.

ClinVar aggregate classification (germline): Uncertain significance. Review status: criteria provided, multiple submitters, no conflicts (2 of 4 stars). 2 submissions from 2 submitters: Uncertain significance (2). Last evaluated 2022-07-27.

Allele frequency attached by ClinVar (database versions not stated): gnomAD exomes below 0.00001.

Submissions (2):

GeneDx
Classification: Uncertain significance. Last evaluated: 2022-07-27. Review status: criteria provided, single submitter. Criteria: GeneDx Variant Classification Process June 2021. Collection method: clinical testing. Allele origin: germline. Affected: yes.
Comment: Not observed at significant frequency in large population cohorts (gnomAD); In silico analysis supports that this missense variant does not alter protein structure/function; Has not been previously published as pathogenic or benign to our knowledge

Labcorp Genetics (formerly Invitae), Labcorp
Classification: Uncertain significance. Last evaluated: 2022-06-13. Review status: criteria provided, single submitter. Criteria: Invitae Variant Classification Sherloc (09022015). Collection method: clinical testing. Allele origin: germline.
Comment: In summary, the available evidence is currently insufficient to determine the role of this variant in disease. Therefore, it has been classified as a Variant of Uncertain Significance. Algorithms developed to predict the effect of missense changes on protein structure and function output the following: SIFT: "Tolerated"; PolyPhen-2: "Benign"; Align-GVGD: "Class C0". The isoleucine amino acid residue is found in multiple mammalian species, which suggests that this missense change does not adversely affect protein function. This variant has not been reported in the literature in individuals affected with APC2-related conditions. This variant is not present in population databases (gnomAD no frequency). This sequence change replaces valine, which is neutral and non-polar, with isoleucine, which is neutral and non-polar, at codon 257 of the APC2 protein (p.Val257Ile).